The following is an entry in ClinVar:

ClinVar aggregate classification (germline): Conflicting classifications of pathogenicity. Review status: criteria provided, conflicting classifications (1 of 4 stars). 3 submissions from 3 submitters: Likely pathogenic (2); Uncertain significance (1). Last evaluated 2024-07-29.

Conditions:
Hereditary spastic paraplegia 35. Also called: SPASTIC PARAPLEGIA 35, AUTOSOMAL RECESSIVE, WITH OR WITHOUT NEURODEGENERATION; Spastic paraplegia 35; LEUKODYSTROPHY, DYSMYELINATING, AND SPASTIC PARAPARESIS WITH OR WITHOUT DYSTONIA; Spastic paraplegia 35, autosomal recessive. Identifiers: Orphanet 171629, MedGen C3496228, MONDO:0012866, OMIM 612319.

Allele frequency attached by ClinVar (database versions not stated): TOPMed below 0.00001; gnomAD 0.00003.

Submissions (3):

GeneDx
Classification: Uncertain significance. Last evaluated: 2024-07-29. Review status: criteria provided, single submitter. Criteria: GeneDx Variant Classification Process June 2021. Collection method: clinical testing. Allele origin: germline. Affected: yes.
Comment: Not observed at significant frequency in large population cohorts (gnomAD); In silico analysis supports that this missense variant has a deleterious effect on protein structure/function; This variant is associated with the following publications: (PMID: 29376581, 38275596, 24359114, 38353247, 31135052, 27316240)

Institute of Human Genetics Munich, TUM University Hospital
Classification: Likely pathogenic for Hereditary spastic paraplegia 35. Last evaluated: 2021-01-27. Review status: criteria provided, single submitter. Criteria: Classification criteria August 2017. Collection method: clinical testing. Allele origin: paternal. Inheritance: Autosomal recessive inheritance. Affected: yes. Observed: 1 variant allele.

Undiagnosed Diseases Network, NIH
Classification: Likely pathogenic for Hereditary spastic paraplegia 35. Last evaluated: 2017-09-29. Review status: criteria provided, single submitter. Criteria: ACMG Guidelines, 2015. Collection method: clinical testing. Allele origin: inherited. Inheritance: Autosomal recessive inheritance. Affected: yes. Observed: 1 variant allele, 1 homozygote. Study: Undiagnosed Diseases Network (NIH), UDN.

NM_024306.5(FA2H):c.133G>T (p.Gly45Trp)

Genes: FA2H (fatty acid 2-hydroxylase; minus strand), LOC130059394 (ATAC-STARR-seq lymphoblastoid silent region 7701; plus strand). Cytogenetic location: 16q23.1.
Variant type: single nucleotide variant.
Coding change: c.133G>T on transcript NM_024306.5 (MANE Select); coding-DNA position 133, G replaced by T.
Protein change: p.Gly45Trp; replaces glycine 45 with tryptophan.
Molecular consequence: missense variant.
Genome position (GRCh38, 1-based): chr16:74,774,623, C>A on the plus strand (G>T on the coding strand, the complement: FA2H is on the minus strand). VCF-style: chr16-74774623-C-A. GRCh37 (hg19) VCF-style: chr16-74808521-C-A.
Other names: c.133G>T (NM_024306.4); short protein forms G45W.
Identifiers: ClinVar variation 584457 (VCV000584457.5), dbSNP rs1247665387, ClinGen allele CA396768351.